The following is an entry in ClinVar:

NM_144687.4(NLRP12):c.73C>G (p.Leu25Val)

Gene: NLRP12 (NLR family pyrin domain containing 12; minus strand). Cytogenetic location: 19q13.42.
Variant type: single nucleotide variant.
Coding change: c.73C>G on transcript NM_144687.4 (MANE Select); coding-DNA position 73, C replaced by G.
Protein change: p.Leu25Val; replaces leucine 25 with valine.
Molecular consequence: missense variant.
Genome position (GRCh38, 1-based): chr19:53,824,102, G>C on the plus strand (C>G on the coding strand, the complement: NLRP12 is on the minus strand). VCF-style: chr19-53824102-G-C. GRCh37 (hg19) VCF-style: chr19-54327356-G-C.
Other names: c.73C>G, p.Leu25Val (NM_001277126.2, NM_001277129.1); short protein forms L25V.
Identifiers: ClinVar variation 581605 (VCV000581605.8), dbSNP rs1446525646, ClinGen allele CA407419391.
Genomic context (GRCh38, chr19:53,824,102, plus strand): 5'-AGGGGATCTTGCCTTCTCCCAGCTCTGTCGCGGTCCCCAGGTATAACTTGAACTTCTTCA[G>C]TTCCACAGCCTCGAGTTCTTCCAAGTAGGTGGACAGGCGACAGAGGCCGTCCCTGCCTGC-3'
Protein context (NP_653288.1, residues 15-35): TYLEELEAVE[Leu25Val]KKFKLYLGTA

ClinVar aggregate classification (germline): Uncertain significance (1 of 4 stars; one submission).

Conditions:
Familial cold autoinflammatory syndrome 2 (FCAS2). Identifiers: Orphanet 247868, MedGen C2673198, MONDO:0012724, OMIM 611762.

Allele frequency attached by ClinVar (database versions not stated): TOPMed below 0.00001.

Submission:

Labcorp Genetics (formerly Invitae), Labcorp
Classification: Uncertain significance for Familial cold autoinflammatory syndrome 2. Last evaluated: 2023-04-26. Review status: criteria provided, single submitter. Criteria: Invitae Variant Classification Sherloc (09022015). Collection method: clinical testing. Allele origin: germline.
Comment: This sequence change replaces leucine, which is neutral and non-polar, with valine, which is neutral and non-polar, at codon 25 of the NLRP12 protein (p.Leu25Val). This variant is not present in population databases (gnomAD no frequency). This variant has not been reported in the literature in individuals affected with NLRP12-related conditions. ClinVar contains an entry for this variant (Variation ID: 581605). Advanced modeling of protein sequence and biophysical properties (such as structural, functional, and spatial information, amino acid conservation, physicochemical variation, residue mobility, and thermodynamic stability) has been performed at Invitae for this missense variant, however the output from this modeling did not meet the statistical confidence thresholds required to predict the impact of this variant on NLRP12 protein function. In summary, the available evidence is currently insufficient to determine the role of this variant in disease. Therefore, it has been classified as a Variant of Uncertain Significance.